The following is an entry in ClinVar:

ClinVar aggregate classification (germline): Uncertain significance (1 of 4 stars; one submission).

Submission:

GeneDx
Classification: Uncertain significance. Last evaluated: 2024-11-07. Review status: criteria provided, single submitter. Criteria: GeneDx Variant Classification Process June 2021. Collection method: clinical testing. Allele origin: germline. Affected: yes.
Comment: Has not been previously published as pathogenic or benign to our knowledge; Not observed at significant frequency in large population cohorts (gnomAD); In silico analysis supports that this missense variant has a deleterious effect on protein structure/function

NM_021120.4(DLG3):c.512C>A (p.Ala171Asp)

Gene: DLG3 (discs large MAGUK scaffold protein 3; plus strand). Cytogenetic location: Xq13.1.
Variant type: single nucleotide variant.
Coding change: c.512C>A on transcript NM_021120.4 (MANE Select); coding-DNA position 512, C replaced by A.
Protein change: p.Ala171Asp; replaces alanine 171 with aspartic acid.
Molecular consequence: missense variant.
Genome position (GRCh38, 1-based): chrX:70,449,462, C>A. VCF-style: chrX-70449462-C-A. GRCh37 (hg19) VCF-style: chrX-69669312-C-A.
Other names: short protein forms A171D.
Identifiers: ClinVar variation 3898873 (VCV003898873.1).
Genomic context (GRCh38, chrX:70,449,462, plus strand): 5'-ATCCCCATGTCCCTGATGACCCTGGCATCTTTATTACCAAGATTATCCCTGGTGGAGCAG[C>A]TGCCATGGATGGGAGGCTGGGGTGAGATGGCCTGGAAGCAGGGTTGTGGGTGGCAGGGAC-3'
Protein context (NP_066943.2, residues 161-181): FITKIIPGGA[Ala171Asp]AMDGRLGVND